The following is an entry in ClinVar:

NM_130837.3(OPA1):c.1363C>T (p.Pro455Ser)

Gene: OPA1 (OPA1 mitochondrial dynamin like GTPase; plus strand). Cytogenetic location: 3q29.
Variant type: single nucleotide variant.
Coding change: c.1363C>T on transcript NM_130837.3 (MANE Select); coding-DNA position 1363, C replaced by T.
Protein change: p.Pro455Ser; replaces proline 455 with serine.
Molecular consequence: missense variant.
Genome position (GRCh38, 1-based): chr3:193,643,430, C>T. VCF-style: chr3-193643430-C-T. GRCh37 (hg19) VCF-style: chr3-193361219-C-T.
Other names: p.Pro400Ser; c.829C>T, p.Pro277Ser (NM_001354663.2); c.826C>T, p.Pro276Ser (NM_001354664.2); c.1198C>T, p.Pro400Ser (NM_015560.3); c.1090C>T, p.Pro364Ser (NM_130831.3); c.1144C>T, p.Pro382Ser (NM_130832.3); c.1201C>T, p.Pro401Ser (NM_130833.3); c.1252C>T, p.Pro418Ser (NM_130834.3); and 2 more; short protein forms P400S, P455S, P276S, P364S, P419S, P437S, P382S, P401S.
Identifiers: ClinVar variation 426101 (VCV000426101.9), dbSNP rs1553877864, ClinGen allele CA355789377.
Genomic context (GRCh38, chr3:193,643,430, plus strand): 5'-TAGACCATATCCTTAAATGTAAAAGGCCCTGGACTACAGAGGATGGTGCTTGTTGACTTA[C>T]CAGGTGTGATTAATGTAAGTATATACAAAACATGTATTTTATTTTATTCTTATTGTGTGA-3'
Protein context (NP_570850.2, residues 445-465): GLQRMVLVDL[Pro455Ser]GVINTVTSGM

ClinVar aggregate classification (germline): Pathogenic/Likely pathogenic. Review status: criteria provided, multiple submitters, no conflicts (2 of 4 stars). 4 submissions from 4 submitters: Pathogenic (1); Likely pathogenic (2). 1 of the submissions does not count toward it. Last evaluated 2025-02-20.

Conditions:
Mitochondrial disease. Also called: Mitochondrial disorder; Mitochondrial disorders. Identifiers: Orphanet 68380, MedGen C0751651, MeSH D028361, MONDO:0044970.

Submissions (4):

GeneDx
Classification: Likely pathogenic. Last evaluated: 2025-02-20. Review status: criteria provided, single submitter. Criteria: GeneDx Variant Classification Process June 2021. Collection method: clinical testing. Allele origin: germline. Affected: yes.
Comment: Not observed at significant frequency in large population cohorts (gnomAD); In silico analysis supports that this missense variant has a deleterious effect on protein structure/function; This variant is associated with the following publications: (PMID: 26905822, 20157015, 20484224, 17722006, 20417570, 22382025, 28812649, 23384603, 34242285)

Labcorp Genetics (formerly Invitae), Labcorp
Classification: Pathogenic. Last evaluated: 2024-04-10. Review status: criteria provided, single submitter. Criteria: Invitae Variant Classification Sherloc (09022015). Collection method: clinical testing. Allele origin: germline.
Comment: This sequence change replaces proline, which is neutral and non-polar, with serine, which is neutral and polar, at codon 400 of the OPA1 protein (p.Pro400Ser). This variant is not present in population databases (gnomAD no frequency). This missense change has been observed in individuals with optic atrophy (PMID: 17722006, 20157015; Invitae). ClinVar contains an entry for this variant (Variation ID: 426101). Advanced modeling of protein sequence and biophysical properties (such as structural, functional, and spatial information, amino acid conservation, physicochemical variation, residue mobility, and thermodynamic stability) performed at Invitae indicates that this missense variant is expected to disrupt OPA1 protein function with a positive predictive value of 80%. This variant disrupts the p.Pro400 amino acid residue in OPA1. Other variant(s) that disrupt this residue have been determined to be pathogenic (PMID: 22382025). This suggests that this residue is clinically significant, and that variants that disrupt this residue are likely to be disease-causing. For these reasons, this variant has been classified as Pathogenic.

Mayo Clinic Laboratories, Mayo Clinic
Classification: Likely pathogenic. Last evaluated: 2023-11-13. Review status: criteria provided, single submitter. Criteria: ACMG Guidelines, 2015. Collection method: clinical testing. Allele origin: germline. Observed: 1 variant allele.
Comment: PP3, PM2_moderate, PM5, PS4_moderate

Mitochondrial Research Group, Newcastle University
Classification: Pathogenic for Mitochondrial disease. Last evaluated: 2017-04-07. Review status: no assertion criteria provided. Collection method: clinical testing. Allele origin: germline. Affected: yes. Observed: 1 variant allele. Not counted in ClinVar's aggregate classification.

Literature cited by the submitters: PubMed 17722006 (cited by Labcorp Genetics (formerly Invitae), Labcorp and Mayo Clinic Laboratories, Mayo Clinic); PubMed 20157015 (cited by Labcorp Genetics (formerly Invitae), Labcorp and Mayo Clinic Laboratories, Mayo Clinic); PubMed 22382025 (cited by Labcorp Genetics (formerly Invitae), Labcorp); PubMed 20417570 (cited by Mayo Clinic Laboratories, Mayo Clinic); PubMed 20484224 (cited by Mayo Clinic Laboratories, Mayo Clinic); PubMed 23384603 (cited by Mayo Clinic Laboratories, Mayo Clinic); PubMed 26905822 (cited by Mayo Clinic Laboratories, Mayo Clinic); PubMed 34242285 (cited by Mayo Clinic Laboratories, Mayo Clinic); PubMed 28812649 (cited by Mitochondrial Research Group, Newcastle University).